The following is an entry in ClinVar:

ClinVar aggregate classification (germline): Uncertain significance (1 of 4 stars; one submission).

Submission:

Labcorp Genetics (formerly Invitae), Labcorp
Classification: Uncertain significance. Last evaluated: 2022-12-30. Review status: criteria provided, single submitter. Criteria: Invitae Variant Classification Sherloc (09022015). Collection method: clinical testing. Allele origin: germline.
Comment: In summary, the available evidence is currently insufficient to determine the role of this variant in disease. Therefore, it has been classified as a Variant of Uncertain Significance. Algorithms developed to predict the effect of missense changes on protein structure and function (SIFT, PolyPhen-2, Align-GVGD) all suggest that this variant is likely to be tolerated. This variant has not been reported in the literature in individuals affected with DDX58-related conditions. This variant is not present in population databases (gnomAD no frequency). This sequence change replaces glutamine, which is neutral and polar, with glutamic acid, which is acidic and polar, at codon 507 of the DDX58 protein (p.Gln507Glu).

NM_014314.4(RIGI):c.1519C>G (p.Gln507Glu)

Gene: RIGI (RNA sensor RIG-I; minus strand). Cytogenetic location: 9p21.1.
Variant type: single nucleotide variant.
Coding change: c.1519C>G on transcript NM_014314.4 (MANE Select); coding-DNA position 1519, C replaced by G.
Protein change: p.Gln507Glu; replaces glutamine 507 with glutamic acid.
Molecular consequence: missense variant.
Genome position (GRCh38, 1-based): chr9:32,481,459, G>C on the plus strand (C>G on the coding strand, the complement: RIGI is on the minus strand). VCF-style: chr9-32481459-G-C. GRCh37 (hg19) VCF-style: chr9-32481457-G-C.
Other names: c.1513C>G, p.Gln505Glu (NM_001385907.1); c.1519C>G, p.Gln507Glu (NM_001385909.1); c.1078C>G, p.Gln360Glu (NM_001385910.1); c.910C>G, p.Gln304Glu (NM_001385912.1); c.1504C>G, p.Gln502Glu (NM_001385913.1); c.1075C>G, p.Gln359Glu (NM_001385914.1); short protein forms Q304E, Q359E, Q507E, Q360E, Q502E, Q505E.
Identifiers: ClinVar variation 2825000 (VCV002825000.3), dbSNP rs2489320050, ClinGen allele CA373153237.